The following is an entry in ClinVar:

NM_001127208.3(TET2):c.2235G>C (p.Gln745His)

Genes: TET2 (tet methylcytosine dioxygenase 2; plus strand), TET2-AS1 (TET2 antisense RNA 1; minus strand). Cytogenetic location: 4q24.
Variant type: single nucleotide variant.
Coding change: c.2235G>C on transcript NM_001127208.3 (MANE Select); coding-DNA position 2235, G replaced by C.
Protein change: p.Gln745His; replaces glutamine 745 with histidine.
Molecular consequence: missense variant.
Genome position (GRCh38, 1-based): chr4:105,236,177, G>C. VCF-style: chr4-105236177-G-C. GRCh37 (hg19) VCF-style: chr4-106157334-G-C.
Other names: c.2235G>C, p.Gln745His (NM_017628.4); short protein forms Q745H.
Identifiers: ClinVar variation 4865502 (VCV004865502.1).
Genomic context (GRCh38, chr4:105,236,177, plus strand): 5'-ACAGGCAGCACAAACACAACCATCCCAGAGTTCACATCTCCCTCAAAACCAGCAACAGCA[G>C]CAAAAATTACAAATAAAGAATAAAGAGGAAATACTCCAGACTTTTCCTCACCCCCAAAGC-3'
Protein context (NP_001120680.1, residues 735-755): SSHLPQNQQQ[Gln745His]QKLQIKNKEE

ClinVar aggregate classification (germline): Uncertain significance (1 of 4 stars; one submission).

Submission:

Ambry Genetics
Classification: Uncertain significance. Last evaluated: 2026-03-21. Review status: criteria provided, single submitter. Criteria: Ambry Variant Classification Scheme 2023. Collection method: clinical testing. Allele origin: germline.
Comment: The p.Q745H variant (also known as c.2235G>C), located in coding exon 1 of the TET2 gene, results from a G to C substitution at nucleotide position 2235. The glutamine at codon 745 is replaced by histidine, an amino acid with highly similar properties. This amino acid position is conserved. In addition, this alteration is predicted to be tolerated by in silico analysis. Based on the available evidence, the clinical significance of this variant remains unclear.